The following is an entry in ClinVar:

NM_001256012.3(MYH10):c.938G>T (p.Gly313Val)

Gene: MYH10 (myosin heavy chain 10; minus strand). Cytogenetic location: 17p13.1.
Variant type: single nucleotide variant.
Coding change: c.938G>T on transcript NM_001256012.3 (MANE Select); coding-DNA position 938, G replaced by T.
Protein change: p.Gly313Val; replaces glycine 313 with valine.
Molecular consequence: missense variant.
Genome position (GRCh38, 1-based): chr17:8,548,769, C>A on the plus strand (G>T on the coding strand, the complement: MYH10 is on the minus strand). VCF-style: chr17-8548769-C-A. GRCh37 (hg19) VCF-style: chr17-8452087-C-A.
Other names: NM_005964.5:c.908G>T; c.908G>T (NM_005964.1); c.935G>T, p.Gly312Val (NM_001256095.2); c.938G>T, p.Gly313Val (NM_001375266.1); c.908G>T, p.Gly303Val (NM_005964.5); short protein forms G303V, G312V, G313V.
Identifiers: ClinVar variation 3024408 (VCV003024408.2), dbSNP rs774823850, ClinGen allele CA8378003.

ClinVar aggregate classification (germline): Uncertain significance. Review status: criteria provided, multiple submitters, no conflicts (2 of 4 stars). 2 submissions from 2 submitters: Uncertain significance (2). Last evaluated 2024-09-26.

Conditions:
Congenital fibrosis of extraocular muscles. Also called: Congenital Fibrosis of the Extraocular Muscles. Identifiers: Orphanet 45358, MedGen C1302995, MONDO:0007614, HP:0001491.
Inborn genetic diseases. Identifiers: MedGen C0950123, MeSH D030342.

Allele frequency attached by ClinVar (database versions not stated): ExAC 0.00002; gnomAD 0.00003; TOPMed 0.00003.
gnomAD v4.1: 93 of 1,611,732 alleles (0.0058%); highest among the groups gnomAD compares: Non-Finnish European, 0.0076%; no homozygotes.

Submissions (2):

Ambry Genetics
Classification: Uncertain significance for Inborn genetic diseases. Last evaluated: 2024-09-26. Review status: criteria provided, single submitter. Criteria: Ambry Variant Classification Scheme 2023. Collection method: clinical testing. Allele origin: germline.

Broad Center for Mendelian Genomics, Broad Institute of MIT and Harvard
Classification: Uncertain significance for Congenital fibrosis of extraocular muscles. Last evaluated: 2024-02-26. Review status: criteria provided, single submitter. Criteria: ACMG Guidelines, 2015. Collection method: curation. Allele origin: germline. Inheritance: Autosomal dominant inheritance.
Comment: While this gene is still lacking sufficient evidence to establish a gene-disease association, we believe this is a possible novel gene candidate for CFEOM. Given the limited information about this gene-disease relationship, the significance of the p.Gly313Val variant is uncertain. If you have any additional information about functional evidence or other individuals with this phenotype that also have variants in MYH10 we encourage you to reach out to the Engle Lab.